The following is an entry in ClinVar:

ClinVar aggregate classification (germline): Uncertain significance (1 of 4 stars; one submission).

Conditions:
BRAF-related disorder. Also called: BRAF-related condition.

Submission:

PreventionGenetics, part of Exact Sciences
Classification: Uncertain significance for BRAF-related condition. Last evaluated: 2022-10-06. Review status: criteria provided, single submitter. Criteria: ACMG Guidelines, 2015. Collection method: clinical testing. Allele origin: germline.
Comment: The BRAF c.1580T>C variant is predicted to result in the amino acid substitution p.Ile527Thr. To our knowledge, this variant has not been reported in the literature or in a large population database, indicating this variant is rare. At this time, the clinical significance of this variant is uncertain due to the absence of conclusive functional and genetic evidence.

NM_004333.6(BRAF):c.1580T>C (p.Ile527Thr)

Gene: BRAF (B-Raf proto-oncogene, serine/threonine kinase; minus strand). Cytogenetic location: 7q34.
Variant type: single nucleotide variant.
Coding change: c.1580T>C on transcript NM_004333.6 (MANE Select); coding-DNA position 1580, T replaced by C.
Protein change: p.Ile527Thr; replaces isoleucine 527 with threonine.
Molecular consequence: missense variant.
Genome position (GRCh38, 1-based): chr7:140,777,026, A>G on the plus strand (T>C on the coding strand, the complement: BRAF is on the minus strand). VCF-style: chr7-140777026-A-G. GRCh37 (hg19) VCF-style: chr7-140476826-A-G.
Other names: c.1580T>C, p.Ile527Thr (NM_001354609.2, NM_001378468.1, NM_001378474.1); c.1700T>C, p.Ile567Thr (NM_001374244.1, NM_001374258.1); c.1589T>C, p.Ile530Thr (NM_001378467.1); c.1514T>C, p.Ile505Thr (NM_001378469.1); c.1478T>C, p.Ile493Thr (NM_001378470.1); c.1469T>C, p.Ile490Thr (NM_001378471.1); c.1424T>C, p.Ile475Thr (NM_001378472.1, NM_001378473.1); c.1316T>C, p.Ile439Thr (NM_001378475.1); short protein forms I439T, I475T, I490T, I493T, I505T, I527T, I530T, I567T.
Identifiers: ClinVar variation 2637396 (VCV002637396.1), dbSNP rs2129018445, ClinGen allele CA369588201.